The following is an entry in ClinVar:

ClinVar aggregate classification (germline): Conflicting classifications of pathogenicity. Review status: criteria provided, conflicting classifications (1 of 4 stars). 2 submissions from 2 submitters: Uncertain significance (1); Likely benign (1). Last evaluated 2021-02-08.

Allele frequency attached by ClinVar (database versions not stated): gnomAD exomes below 0.00001.
gnomAD v4.1: 6 of 1,614,180 alleles (0.00037%); highest among the groups gnomAD compares: East Asian, 0.0022%; no homozygotes.

Submissions (2):

GeneDx
Classification: Likely benign. Last evaluated: 2021-02-08. Review status: criteria provided, single submitter. Criteria: GeneDx Variant Classification Process June 2021. Collection method: clinical testing. Allele origin: germline. Affected: yes.
Comment: Not observed in large population cohorts (Lek et al., 2016); In silico analysis supports that this missense variant does not alter protein structure/function; Has not been previously published as pathogenic or benign to our knowledge

Genetic Services Laboratory, University of Chicago
Classification: Uncertain significance. Last evaluated: 2014-07-18. Review status: criteria provided, single submitter. Criteria: ACMG Guidelines, 2015. Collection method: clinical testing. Allele origin: germline.

NM_000834.5(GRIN2B):c.4309G>A (p.Ala1437Thr)

Gene: GRIN2B (glutamate ionotropic receptor NMDA type subunit 2B; minus strand). Cytogenetic location: 12p13.1.
Variant type: single nucleotide variant.
Coding change: c.4309G>A on transcript NM_000834.5 (MANE Select); coding-DNA position 4309, G replaced by A.
Protein change: p.Ala1437Thr; replaces alanine 1437 with threonine.
Molecular consequence: missense variant.
Genome position (GRCh38, 1-based): chr12:13,562,929, C>T on the plus strand (G>A on the coding strand, the complement: GRIN2B is on the minus strand). VCF-style: chr12-13562929-C-T. GRCh37 (hg19) VCF-style: chr12-13715863-C-T.
Other names: short protein forms A1437T.
Identifiers: ClinVar variation 211124 (VCV000211124.9), dbSNP rs797045608, ClinGen allele CA208903.